The following is an entry in ClinVar:

NM_015072.5(TTLL5):c.431C>T (p.Thr144Ile)

Gene: TTLL5 (tubulin tyrosine ligase like 5; plus strand). Cytogenetic location: 14q24.3.
Variant type: single nucleotide variant.
Coding change: c.431C>T on transcript NM_015072.5 (MANE Select); coding-DNA position 431, C replaced by T.
Protein change: p.Thr144Ile; replaces threonine 144 with isoleucine.
Molecular consequence: missense variant.
Genome position (GRCh38, 1-based): chr14:75,690,251, C>T. VCF-style: chr14-75690251-C-T. GRCh37 (hg19) VCF-style: chr14-76156594-C-T.
Other names: short protein forms T144I.
Identifiers: ClinVar variation 839518 (VCV000839518.7), dbSNP rs200596181, ClinGen allele CA7278925.

ClinVar aggregate classification (germline): Uncertain significance. Review status: criteria provided, multiple submitters, no conflicts (2 of 4 stars). 2 submissions from 2 submitters: Uncertain significance (2). Last evaluated 2024-10-22.

Allele frequency attached by ClinVar (database versions not stated): ExAC 0.00003; gnomAD exomes 0.00003 and 0.00013; gnomAD 0.00005 and 0.00006; TOPMed 0.00005; ESP Exome Variant Server 0.00015.
gnomAD v4.1: 193 of 1,612,498 alleles (0.012%); highest among the groups gnomAD compares: Non-Finnish European, 0.014%; no homozygotes.

Submissions (2):

Labcorp Genetics (formerly Invitae), Labcorp
Classification: Uncertain significance. Last evaluated: 2024-10-22. Review status: criteria provided, single submitter. Criteria: Invitae Variant Classification Sherloc (09022015). Collection method: clinical testing. Allele origin: germline.
Comment: This sequence change replaces threonine, which is neutral and polar, with isoleucine, which is neutral and non-polar, at codon 144 of the TTLL5 protein (p.Thr144Ile). This variant is present in population databases (rs200596181, gnomAD 0.05%). This variant has not been reported in the literature in individuals affected with TTLL5-related conditions. ClinVar contains an entry for this variant (Variation ID: 839518). Invitae Evidence Modeling of protein sequence and biophysical properties (such as structural, functional, and spatial information, amino acid conservation, physicochemical variation, residue mobility, and thermodynamic stability) indicates that this missense variant is not expected to disrupt TTLL5 protein function with a negative predictive value of 80%. In summary, the available evidence is currently insufficient to determine the role of this variant in disease. Therefore, it has been classified as a Variant of Uncertain Significance.

Blueprint Genetics
Classification: Uncertain significance. Last evaluated: 2022-08-29. Review status: criteria provided, single submitter. Criteria: ACMG Guidelines, 2015. Collection method: clinical testing. Allele origin: germline.